The following is an entry in ClinVar:

NM_000081.4(LYST):c.1592dup (p.Asn531fs)

Gene: LYST (lysosomal trafficking regulator; minus strand). Cytogenetic location: 1q42.3.
Variant type: Duplication.
Coding change: c.1592dup on transcript NM_000081.4 (MANE Select); coding-DNA position 1592, one base duplicated (A; older notation c.1592dupA).
Protein change: p.Asn531fs; shifts the reading frame from asparagine 531.
Molecular consequence: frameshift variant.
Genome position (GRCh38, 1-based): chr1:235,809,226, T duplicated on the plus strand (A on the coding strand, the reverse complement: LYST is on the minus strand); the first of 5 consecutive T bases (chr1:235,809,226-235,809,230); duplicating any one gives the same sequence. VCF-style (leftmost placement, unchanged base first): chr1-235809225-G-GT. GRCh37 (hg19) VCF-style: chr1-235972525-G-GT.
Other names: c.1592dup, p.Asn531fs (NM_001301365.1); short protein forms N531fs.
Identifiers: ClinVar variation 2692795 (VCV002692795.3), dbSNP rs2527113303, ClinGen allele CA2697554998.
Genomic context (GRCh38, chr1:235,809,225, plus strand): 5'-TGCAATGCAACAGCACCGCTCAGGATAATAAACATCTCCATCTGCAGTCTCTTCAAATGG[G>GT]TTTTTGGAAACCTGGTTTTTAAAAGCCGAAACCAGAAGACCTGAGAGATCTCGGTGATGA-3'

ClinVar aggregate classification (germline): Pathogenic (1 of 4 stars; one submission).

Conditions:
Chédiak-Higashi syndrome (CHS). Also called: Chediak-Higashi Syndrome. Identifiers: Orphanet 167, MedGen C0007965, MONDO:0008963, OMIM 214500.

Submission:

Labcorp Genetics (formerly Invitae), Labcorp
Classification: Pathogenic for Chédiak-Higashi syndrome. Last evaluated: 2023-11-02. Review status: criteria provided, single submitter. Criteria: Invitae Variant Classification Sherloc (09022015). Collection method: clinical testing. Allele origin: germline.
Comment: This sequence change creates a premature translational stop signal (p.Asn531Lysfs*4) in the LYST gene. It is expected to result in an absent or disrupted protein product. Loss-of-function variants in LYST are known to be pathogenic (PMID: 9215679, 11857544). This variant is not present in population databases (gnomAD no frequency). This variant has not been reported in the literature in individuals affected with LYST-related conditions. For these reasons, this variant has been classified as Pathogenic.

Literature cited by the submitters: PubMed 9215679; PubMed 11857544.